The following is an entry in ClinVar:

NM_198253.3(TERT):c.2908A>G (p.Met970Val)

Gene: TERT (telomerase reverse transcriptase; minus strand). Cytogenetic location: 5p15.33.
Variant type: single nucleotide variant.
Coding change: c.2908A>G on transcript NM_198253.3 (MANE Select); coding-DNA position 2908, A replaced by G.
Protein change: p.Met970Val; replaces methionine 970 with valine.
Molecular consequence: missense variant. On other transcripts: non-coding transcript variant (2).
Genome position (GRCh38, 1-based): chr5:1,260,536, T>C on the plus strand (A>G on the coding strand, the complement: TERT is on the minus strand). VCF-style: chr5-1260536-T-C. GRCh37 (hg19) VCF-style: chr5-1260651-T-C.
Other names: c.2719A>G, p.Met907Val (NM_001193376.3); c.2908A>G (NM_198253.2); short protein forms M907V, M970V.
Identifiers: ClinVar variation 1479040 (VCV001479040.7), dbSNP rs762647113, ClinGen allele CA359070006.

ClinVar aggregate classification (germline): Uncertain significance. Review status: criteria provided, multiple submitters, no conflicts (2 of 4 stars). 2 submissions from 2 submitters: Uncertain significance (2). Last evaluated 2024-09-13.

Conditions:
Dyskeratosis congenita, autosomal dominant 2. Identifiers: MedGen C3151443, MONDO:0013521, OMIM 613989.
Idiopathic Pulmonary Fibrosis. Also called: Idiopathic fibrosing alveolitis, chronic form; idiopathic fibrosing alveolitis. Identifiers: Orphanet 2032, MedGen C1800706, MeSH D054990, MONDO:0800504.

gnomAD v4.1: 2 of 1,614,184 alleles (0.00012%); highest among the groups gnomAD compares: Non-Finnish European, 0.00017%; no homozygotes.

Submissions (2):

GeneDx
Classification: Uncertain significance. Last evaluated: 2024-09-13. Review status: criteria provided, single submitter. Criteria: GeneDx Variant Classification Process June 2021. Collection method: clinical testing. Allele origin: germline. Affected: yes.
Comment: Identified in a hematopoetic stem cell donor-recipient pair, where the recipient had leukemia and the donor cells exhibited shortened telomeres suggestive of an inherited telomere biology disorder (PMID: 23258901); Not observed at significant frequency in large population cohorts (gnomAD); In silico analysis indicates that this missense variant does not alter protein structure/function; This variant is associated with the following publications: (PMID: 23258901)

Labcorp Genetics (formerly Invitae), Labcorp
Classification: Uncertain significance for Dyskeratosis congenita, autosomal dominant 2; Idiopathic Pulmonary Fibrosis. Last evaluated: 2021-11-05. Review status: criteria provided, single submitter. Criteria: Invitae Variant Classification Sherloc (09022015). Collection method: clinical testing. Allele origin: germline.
Comment: In summary, the available evidence is currently insufficient to determine the role of this variant in disease. Therefore, it has been classified as a Variant of Uncertain Significance. Algorithms developed to predict the effect of sequence changes on RNA splicing suggest that this variant may create or strengthen a splice site. Advanced modeling of protein sequence and biophysical properties (such as structural, functional, and spatial information, amino acid conservation, physicochemical variation, residue mobility, and thermodynamic stability) performed at Invitae indicates that this missense variant is expected to disrupt TERT protein function. This missense change has been observed in individual(s) with thrombocytopenia (PMID: 23258901). This variant is not present in population databases (gnomAD no frequency). This sequence change replaces methionine, which is neutral and non-polar, with valine, which is neutral and non-polar, at codon 970 of the TERT protein (p.Met970Val).

Literature cited by the submitters: PubMed 23258901 (cited by Labcorp Genetics (formerly Invitae), Labcorp).